The following is an entry in ClinVar:

NM_001042646.3(TRAK1):c.582-7C>T

Gene: TRAK1 (trafficking kinesin protein 1; plus strand). Cytogenetic location: 3p22.1.
Variant type: single nucleotide variant.
Coding change: c.582-7C>T on transcript NM_001042646.3 (MANE Select); 7 bases into the intron before coding-DNA position 582, C replaced by T.
Molecular consequence: intron variant.
Genome position (GRCh38, 1-based): chr3:42,189,009, C>T. VCF-style: chr3-42189009-C-T. GRCh37 (hg19) VCF-style: chr3-42230501-C-T.
Other names: c.270-7C>T (NM_001349245.1); c.582-7C>T (NM_001349247.2, NM_001349246.2, NM_001265608.2 and 1 more transcripts); c.360-7C>T (NM_001349249.1, NM_001349248.1, NM_001265609.2 and 1 more transcripts); c.408-7C>T (NM_001410741.1, NM_014965.5).
Identifiers: ClinVar variation 2742017 (VCV002742017.6), dbSNP rs368538418, ClinGen allele CA2333177.
Genomic context (GRCh38, chr3:42,189,009, plus strand): 5'-CACATGGTTTGCCAGGTGGTGGGAGGAAATGCGTCTCCCTAGGTTGTGAGCGTACTTTCT[C>T]CCCCAGGTTGAAGAGGAATGAGTCGTCCTCCTCAGTCCAGAATTACTTTCATTTGGATTC-3'

ClinVar aggregate classification (germline): Likely benign. Review status: criteria provided, multiple submitters, no conflicts (2 of 4 stars). 3 submissions from 3 submitters: Likely benign (2). 1 of the submissions does not count toward it. Last evaluated 2025-10-03.

Conditions:
TRAK1-related disorder. Also called: TRAK1-related condition.

Allele frequency attached by ClinVar (database versions not stated): TOPMed 0.00011; ExAC 0.00017; ESP Exome Variant Server 0.00031.
gnomAD v4.1: 143 of 1,603,910 alleles (0.0089%); highest among the groups gnomAD compares: Admixed American, 0.012%; no homozygotes.

Submissions (3):

Labcorp Genetics (formerly Invitae), Labcorp
Classification: Likely benign. Last evaluated: 2025-10-03. Review status: criteria provided, single submitter. Criteria: Invitae Variant Classification Sherloc (09022015). Collection method: clinical testing. Allele origin: germline.

Blueprint Genetics
Classification: Likely benign. Last evaluated: 2024-10-14. Review status: criteria provided, single submitter. Criteria: ACMG Guidelines, 2015. Collection method: clinical testing. Allele origin: germline.

PreventionGenetics, part of Exact Sciences
Classification: Likely benign for TRAK1-related condition. Last evaluated: 2019-03-06. Review status: no assertion criteria provided. Collection method: clinical testing. Allele origin: germline. Not counted in ClinVar's aggregate classification.
Comment: This variant is classified as likely benign based on ACMG/AMP sequence variant interpretation guidelines (Richards et al. 2015 PMID: 25741868, with internal and published modifications).